The following is an entry in ClinVar:

NM_000391.4(TPP1):c.702T>G (p.Tyr234Ter)

Gene: TPP1 (tripeptidyl peptidase 1; minus strand). Cytogenetic location: 11p15.4.
Variant type: single nucleotide variant.
Coding change: c.702T>G on transcript NM_000391.4 (MANE Select); coding-DNA position 702, T replaced by G.
Protein change: p.Tyr234Ter; replaces tyrosine 234 with a stop codon.
Molecular consequence: nonsense.
Genome position (GRCh38, 1-based): chr11:6,616,845, A>C on the plus strand (T>G on the coding strand, the complement: TPP1 is on the minus strand). VCF-style: chr11-6616845-A-C. GRCh37 (hg19) VCF-style: chr11-6638076-A-C.
Other names: short protein forms Y234*.
Identifiers: ClinVar variation 1995893 (VCV001995893.4), dbSNP rs2493799058, ClinGen allele CA379475252.
Genomic context (GRCh38, chr11:6,616,845, plus strand): 5'-CTGATGTGCAAAGTTGCCACCGAAGAGGCGCATGAACTGAGCCAGGTCTGAGTCATGGAA[A>C]TACTGCTCCAGGAACTATGGAGGGAGTCAGAGCAGAGATCGTGGGTCCGAGGGTGAGTCC-3'

ClinVar aggregate classification (germline): Pathogenic (1 of 4 stars; one submission).

Submission:

Labcorp Genetics (formerly Invitae), Labcorp
Classification: Pathogenic. Last evaluated: 2022-05-18. Review status: criteria provided, single submitter. Criteria: Invitae Variant Classification Sherloc (09022015). Collection method: clinical testing. Allele origin: germline.
Comment: For these reasons, this variant has been classified as Pathogenic. Algorithms developed to predict the effect of sequence changes on RNA splicing suggest that this variant may disrupt the consensus splice site. This variant has not been reported in the literature in individuals affected with TPP1-related conditions. This variant is not present in population databases (gnomAD no frequency). This sequence change creates a premature translational stop signal (p.Tyr234*) in the TPP1 gene. It is expected to result in an absent or disrupted protein product. Loss-of-function variants in TPP1 are known to be pathogenic (PMID: 10330339).

Literature cited by the submitters: PubMed 10330339.